The following is an entry in ClinVar:

NM_170784.3(MKKS):c.1031dup (p.Tyr344Ter)

Gene: MKKS (MKKS centrosomal shuttling protein; minus strand). Cytogenetic location: 20p12.2.
Variant type: Duplication.
Coding change: c.1031dup on transcript NM_170784.3 (MANE Select); coding-DNA position 1031, one base duplicated (A; older notation c.1031dupA).
Protein change: p.Tyr344Ter; replaces tyrosine 344 with a stop codon.
Molecular consequence: nonsense. On other transcripts: non-coding transcript variant (1).
Genome position (GRCh38, 1-based): chr20:10,408,758, T duplicated on the plus strand (A on the coding strand, the reverse complement: MKKS is on the minus strand). VCF-style (leftmost placement, unchanged base first): chr20-10408757-A-AT. GRCh37 (hg19) VCF-style: chr20-10389405-A-AT.
Other names: c.1031dup, p.Tyr344Ter (NM_018848.3); short protein forms Y344*.
Identifiers: ClinVar variation 4850435 (VCV004850435.1).

ClinVar aggregate classification (germline): Likely pathogenic (1 of 4 stars; one submission).

Conditions:
McKusick-Kaufman syndrome (MKKS). Also called: HYDROMETROCOLPOS SYNDROME; HYDROMETROCOLPOS, POSTAXIAL POLYDACTYLY, AND CONGENITAL HEART MALFORMATION. Identifiers: Orphanet 2473, MedGen C0948368, MONDO:0009367, OMIM 236700.
Bardet-Biedl syndrome 6 (BBS6). Identifiers: Orphanet 110, MedGen C1858054, MONDO:0011523, OMIM 605231.

Submission:

First Genomix Gene Laboratory, Genetic Diagnostics Department
Classification: Likely pathogenic for Bardet-Biedl syndrome 6; McKusick-Kaufman syndrome. Last evaluated: 2025-09-24. Review status: criteria provided, single submitter. Criteria: ACMG Guidelines, 2015. Collection method: clinical testing. Allele origin: germline. Inheritance: Autosomal recessive inheritance. Affected: no. Observed: 1 variant allele.